The following is an entry in ClinVar:

NM_014975.3(MAST1):c.4679A>T (p.Lys1560Ile)

Gene: MAST1 (microtubule associated serine/threonine kinase 1; plus strand). Cytogenetic location: 19p13.13.
Variant type: single nucleotide variant.
Coding change: c.4679A>T on transcript NM_014975.3 (MANE Select); coding-DNA position 4679, A replaced by T.
Protein change: p.Lys1560Ile; replaces lysine 1560 with isoleucine.
Molecular consequence: missense variant.
Genome position (GRCh38, 1-based): chr19:12,874,836, A>T. VCF-style: chr19-12874836-A-T. GRCh37 (hg19) VCF-style: chr19-12985650-A-T.
Other names: short protein forms K1560I.
Identifiers: ClinVar variation 2870087 (VCV002870087.3), dbSNP rs760214507, ClinGen allele CA9233614.

ClinVar aggregate classification (germline): Uncertain significance (1 of 4 stars; one submission).

Allele frequency attached by ClinVar (database versions not stated): gnomAD 0.00003; TOPMed 0.00003; ExAC 0.00004; gnomAD exomes 0.00004.
gnomAD v4.1: 69 of 1,599,200 alleles (0.0043%); highest among the groups gnomAD compares: Admixed American, 0.0068%; no homozygotes.

Submission:

Labcorp Genetics (formerly Invitae), Labcorp
Classification: Uncertain significance. Last evaluated: 2023-06-15. Review status: criteria provided, single submitter. Criteria: Invitae Variant Classification Sherloc (09022015). Collection method: clinical testing. Allele origin: germline.
Comment: This sequence change replaces lysine, which is basic and polar, with isoleucine, which is neutral and non-polar, at codon 1560 of the MAST1 protein (p.Lys1560Ile). This variant is present in population databases (rs760214507, gnomAD 0.009%). This variant has not been reported in the literature in individuals affected with MAST1-related conditions. An algorithm developed to predict the effect of missense changes on protein structure and function (PolyPhen-2) suggests that this variant is likely to be tolerated. In summary, the available evidence is currently insufficient to determine the role of this variant in disease. Therefore, it has been classified as a Variant of Uncertain Significance.